The following is an entry in ClinVar:

NM_000352.6(ABCC8):c.2820+2T>C

Gene: ABCC8 (ATP binding cassette subfamily C member 8; minus strand). Cytogenetic location: 11p15.1.
Variant type: single nucleotide variant.
Coding change: c.2820+2T>C on transcript NM_000352.6 (MANE Select); the canonical splice donor site of the intron after coding-DNA position 2820, T replaced by C.
Molecular consequence: splice donor variant.
Genome position (GRCh38, 1-based): chr11:17,408,390, A>G on the plus strand (T>C on the coding strand, the complement: ABCC8 is on the minus strand). VCF-style: chr11-17408390-A-G. GRCh37 (hg19) VCF-style: chr11-17429937-A-G.
Other names: c.2817+2T>C (NM_001351297.2); c.2820+2T>C (NM_001351296.2); c.2886+2T>C (NM_001351295.2); c.2823+2T>C (NM_001287174.3).
Identifiers: ClinVar variation 4818245 (VCV004818245.1).

ClinVar aggregate classification (germline): Likely pathogenic (1 of 4 stars; one submission).

Conditions:
Hereditary hyperinsulinism.

gnomAD v4.1: 1 of 1,612,804 alleles (0.000062%); highest among the groups gnomAD compares: South Asian, 0.0011%; no homozygotes.

Submission:

Natera, Inc.
Classification: Likely pathogenic for Hereditary hyperinsulinism. Last evaluated: 2025-08-08. Review status: criteria provided, single submitter. Criteria: Natera Variant Classification Schema (03/2026). Collection method: clinical testing. Allele origin: germline.
Comment: The c.2820+2T>C variant in ABCC8 is a canonical splice donor site variant predicted to affect pre-mRNA splicing, which may result in an abnormal transcript and altered protein product. This variant is expected to result in nonsense mediated decay, truncation, or a dysfunctional protein product. This variant is rare in the general population with a frequency below the threshold expected for the associated phenotype(s). Given the available evidence, this variant is classified as Likely Pathogenic.